The following is an entry in ClinVar:

NM_002834.5(PTPN11):c.1607A>G (p.Lys536Arg)

Gene: PTPN11 (protein tyrosine phosphatase non-receptor type 11; plus strand). Cytogenetic location: 12q24.13.
Variant type: single nucleotide variant.
Coding change: c.1607A>G on transcript NM_002834.5 (MANE Select); coding-DNA position 1607, A replaced by G.
Protein change: p.Lys536Arg; replaces lysine 536 with arginine.
Molecular consequence: missense variant.
Genome position (GRCh38, 1-based): chr12:112,502,151, A>G. VCF-style: chr12-112502151-A-G. GRCh37 (hg19) VCF-style: chr12-112939955-A-G.
Other names: c.1619A>G, p.Lys540Arg (NM_001330437.2); c.1604A>G, p.Lys535Arg (NM_001374625.1); short protein forms K535R, K536R, K540R.
Identifiers: ClinVar variation 2573742 (VCV002573742.1), dbSNP rs2038881506, ClinGen allele CA386783040.

ClinVar aggregate classification (germline): Uncertain significance (1 of 4 stars; one submission).

Allele frequency attached by ClinVar (database versions not stated): TOPMed 0.00001.

Submission:

GeneDx
Classification: Uncertain significance. Last evaluated: 2023-01-18. Review status: criteria provided, single submitter. Criteria: GeneDx Variant Classification Process June 2021. Collection method: clinical testing. Allele origin: germline. Affected: yes.
Comment: Not observed at significant frequency in large population cohorts (gnomAD); Missense variants in this gene are often considered pathogenic (HGMD); In silico analysis supports that this missense variant does not alter protein structure/function; Has not been previously published as pathogenic or benign to our knowledge